The following is an entry in ClinVar:

NM_001846.4(COL4A2):c.1132G>C (p.Gly378Arg)

Gene: COL4A2 (collagen type IV alpha 2 chain; plus strand). Cytogenetic location: 13q34.
Variant type: single nucleotide variant.
Coding change: c.1132G>C on transcript NM_001846.4 (MANE Select); coding-DNA position 1132, G replaced by C.
Protein change: p.Gly378Arg; replaces glycine 378 with arginine.
Molecular consequence: missense variant.
Genome position (GRCh38, 1-based): chr13:110,449,732, G>C. VCF-style: chr13-110449732-G-C. GRCh37 (hg19) VCF-style: chr13-111102079-G-C.
Other names: short protein forms G378R.
Identifiers: ClinVar variation 4819978 (VCV004819978.1).
Genomic context (GRCh38, chr13:110,449,732, plus strand): 5'-CTTCCAGGTGCCAGAGGTGACCCGGGATTCCCAGGGGCCCAAGGGGAGCCAGGAAGCCAG[G>C]GTGAGCCAGGAGACCCGGGCCTCCCAGGTCCCCCTGGCCTCTCCATCGGAGATGGAGGTA-3'
Protein context (NP_001837.2, residues 368-388): PGAQGEPGSQ[Gly378Arg]EPGDPGLPGP

ClinVar aggregate classification (germline): Uncertain significance (1 of 4 stars; one submission).

Conditions:
COL4A2-related neurological disorder.

Submission:

Kasturba Medical College, Manipal, Kasturba Medical College, Manipal, Manipal Academy of Higher Education, Manipal, India
Classification: Uncertain significance for COL4A2-related neurological disorder. Review status: criteria provided, single submitter. Criteria: ACMG Guidelines, 2015. Collection method: research. Allele origin: biparental. Inheritance: Autosomal recessive inheritance. Affected: yes. Observed: 1 variant allele, 1 homozygote.
Comment: This variant is not present in the gnomAD (v4.1.0) population database and our in-house database of 4047 individuals. In silico prediction tools (MutationTaster, CADD phred, and REVEL) are consistent in predicting the variant to be damaging to COL4A2 protein function.